The following is an entry in ClinVar:

NM_198904.4(GABRG2):c.1025del (p.Cys342fs)

Gene: GABRG2 (gamma-aminobutyric acid type A receptor subunit gamma2; plus strand). Cytogenetic location: 5q34.
Variant type: Deletion.
Coding change: c.1025del on transcript NM_198904.4 (MANE Select); coding-DNA position 1025, one base deleted (G; older notation c.1025delG).
Protein change: p.Cys342fs; shifts the reading frame from cysteine 342.
Molecular consequence: frameshift variant. On other transcripts: intron variant (1).
Genome position (GRCh38, 1-based): chr5:162,149,210, G deleted. VCF-style (leftmost placement, unchanged base first): chr5-162149209-TG-T. GRCh37 (hg19) VCF-style: chr5-161576215-TG-T.
Other names: c.1025del, p.Cys342fs (NM_000816.3); c.1025delG (NM_000816.3); c.1016del, p.Cys339fs (NM_001375339.1); c.1022del, p.Cys341fs (NM_001375341.1, NM_001375342.1); c.1145del, p.Cys382fs (NM_001375343.1, NM_198903.2); c.1064del, p.Cys355fs (NM_001375344.1); c.959del, p.Cys320fs (NM_001375345.1, NM_001375346.1); c.938del, p.Cys313fs (NM_001375347.1); and 3 more; short protein forms C382fs, C342fs, C202fs, C247fs, C313fs, C320fs, C339fs, C341fs.
Identifiers: ClinVar variation 408213 (VCV000408213.9), dbSNP rs1060501889, ClinGen allele CA16611898.

ClinVar aggregate classification (germline): Pathogenic (1 of 4 stars; one submission).

Conditions:
Febrile seizures, familial, 8 (FEB8). Also called: CONVULSIONS, FAMILIAL FEBRILE, 8. Identifiers: Orphanet 36387, MedGen C1969810, MONDO:0011891, OMIM 607681.
EPILEPSY, CHILDHOOD ABSENCE, SUSCEPTIBILITY TO, 2 (ECA2). Identifiers: Orphanet 64280, MedGen C1843244, OMIM 607681.

Submission:

Labcorp Genetics (formerly Invitae), Labcorp
Classification: Pathogenic for Febrile seizures, familial, 8; EPILEPSY, CHILDHOOD ABSENCE, SUSCEPTIBILITY TO, 2. Last evaluated: 2019-12-06. Review status: criteria provided, single submitter. Criteria: Invitae Variant Classification Sherloc (09022015). Collection method: clinical testing. Allele origin: germline.
Comment: This sequence change creates a premature translational stop signal (p.Cys342Phefs*50) in the GABRG2 gene. It is expected to result in an absent or disrupted protein product. This variant is not present in population databases (ExAC no frequency). This variant has not been reported in the literature in individuals with GABRG2-related conditions. ClinVar contains an entry for this variant (Variation ID: 408213). Loss-of-function variants in GABRG2 are known to be pathogenic (PMID: 22539854, 22750526, 24407264). For these reasons, this variant has been classified as Pathogenic.

Literature cited by the submitters: PubMed 22539854; PubMed 22750526; PubMed 24407264.